The following is an entry in ClinVar:

ClinVar aggregate classification (germline): Likely benign. Review status: criteria provided, single submitter (1 of 4 stars). 2 submissions from 2 submitters: Likely benign (1). 1 of the submissions does not count toward it. Last evaluated 2023-12-10.

Conditions:
Spastic paraplegia. Identifiers: MedGen C0037772, HP:0001258.
B4GALNT1-related disorder. Also called: B4GALNT1-related condition.

Allele frequency attached by ClinVar (database versions not stated): gnomAD 0.00006 and 0.00007; ESP Exome Variant Server 0.00008; TOPMed 0.00008; gnomAD exomes 0.00013 and 0.00019; ExAC 0.00014.

Submissions (2):

Labcorp Genetics (formerly Invitae), Labcorp
Classification: Likely benign for Spastic paraplegia. Last evaluated: 2023-12-10. Review status: criteria provided, single submitter. Criteria: Invitae Variant Classification Sherloc (09022015). Collection method: clinical testing. Allele origin: germline.

PreventionGenetics, part of Exact Sciences
Classification: Likely benign for B4GALNT1-related condition. Last evaluated: 2019-05-24. Review status: no assertion criteria provided. Collection method: clinical testing. Allele origin: germline. Not counted in ClinVar's aggregate classification.
Comment: This variant is classified as likely benign based on ACMG/AMP sequence variant interpretation guidelines (Richards et al. 2015 PMID: 25741868, with internal and published modifications).

NM_001478.5(B4GALNT1):c.432G>A (p.Pro144=)

Gene: B4GALNT1 (beta-1,4-N-acetyl-galactosaminyltransferase 1; minus strand). Cytogenetic location: 12q13.3.
Variant type: single nucleotide variant.
Coding change: c.432G>A on transcript NM_001478.5 (MANE Select); coding-DNA position 432, G replaced by A.
Protein change: p.Pro144=; no amino-acid change (proline 144 retained).
Molecular consequence: synonymous variant.
Genome position (GRCh38, 1-based): chr12:57,631,038, C>T on the plus strand (G>A on the coding strand, the complement: B4GALNT1 is on the minus strand). VCF-style: chr12-57631038-C-T. GRCh37 (hg19) VCF-style: chr12-58024821-C-T.
Other names: c.267G>A, p.Pro89= (NM_001276468.2); c.432G>A, p.Pro144= (NM_001276469.2); c.432G>A (NM_001478.4).
Identifiers: ClinVar variation 1536062 (VCV001536062.10), dbSNP rs144076705, ClinGen allele CA6655774.
Genomic context (GRCh38, chr12:57,631,038, plus strand): 5'-ACCTGGCACCAAGATGCTCCTGAGGGGCTGAACTTCCACACCCTGTAGGGGGTACTGGAG[C>T]GGGGAGTTGGCAGGGGCTATGAGCAGCTGGTCAGCTGGGGACTGGCTCCTGGCAGTGGAG-3'
Protein context (NP_001469.1, residues 134-154): DQLLIAPANS[Pro144=]LQYPLQGVEV